The following is an entry in ClinVar:

NM_001145358.2(SIN3A):c.3316A>G (p.Met1106Val)

Gene: SIN3A (SIN3 transcription regulator family member A; minus strand). Cytogenetic location: 15q24.2.
Variant type: single nucleotide variant.
Coding change: c.3316A>G on transcript NM_001145358.2 (MANE Select); coding-DNA position 3316, A replaced by G.
Protein change: p.Met1106Val; replaces methionine 1106 with valine.
Molecular consequence: missense variant.
Genome position (GRCh38, 1-based): chr15:75,380,696, T>C on the plus strand (A>G on the coding strand, the complement: SIN3A is on the minus strand). VCF-style: chr15-75380696-T-C. GRCh37 (hg19) VCF-style: chr15-75673037-T-C.
Other names: c.3316A>G, p.Met1106Val (NM_001145357.2, NM_001437462.1, NM_001437463.1 and 1 more transcripts); short protein forms M1106V.
Identifiers: ClinVar variation 4779165 (VCV004779165.1).
Genomic context (GRCh38, chr15:75,380,696, plus strand): 5'-GAAATACTGGTTTCTGTGCTAGATGTTCACGAAGCTCAGGCGAGGTAGTATCTGAATTCA[T>C]GTATCGCTCCACGTAGTCTGACCAGCGCTAAGATGGCAAACACAAAATACAGGTGGAAGG-3'
Protein context (NP_001138830.1, residues 1096-1116): ERWSDYVERY[Met1106Val]NSDTTSPELR

ClinVar aggregate classification (germline): Uncertain significance (1 of 4 stars; one submission).

Submission:

Labcorp Genetics (formerly Invitae), Labcorp
Classification: Uncertain significance. Last evaluated: 2025-07-18. Review status: criteria provided, single submitter. Criteria: Invitae Variant Classification Sherloc (09022015). Collection method: clinical testing. Allele origin: germline.
Comment: This sequence change replaces methionine, which is neutral and non-polar, with valine, which is neutral and non-polar, at codon 1106 of the SIN3A protein (p.Met1106Val). This variant is not present in population databases (gnomAD no frequency). This variant has not been reported in the literature in individuals affected with SIN3A-related conditions. Invitae Evidence Modeling of protein sequence and biophysical properties (such as structural, functional, and spatial information, amino acid conservation, physicochemical variation, residue mobility, and thermodynamic stability) indicates that this missense variant is not expected to disrupt SIN3A protein function with a negative predictive value of 80%. In summary, the available evidence is currently insufficient to determine the role of this variant in disease. Therefore, it has been classified as a Variant of Uncertain Significance.